The following is an entry in ClinVar:

NM_000218.3(KCNQ1):c.1767C>T (p.Gly589=)

Gene: KCNQ1 (potassium voltage-gated channel subfamily Q member 1; plus strand). Cytogenetic location: 11p15.5.
Variant type: single nucleotide variant.
Coding change: c.1767C>T on transcript NM_000218.3 (MANE Select); coding-DNA position 1767, C replaced by T.
Protein change: p.Gly589=; no amino-acid change (glycine 589 retained).
Molecular consequence: synonymous variant.
Genome position (GRCh38, 1-based): chr11:2,778,010, C>T. VCF-style: chr11-2778010-C-T. GRCh37 (hg19) VCF-style: chr11-2799240-C-T.
Other names: c.1671C>T, p.Gly557= (NM_001406836.1); c.1497C>T, p.Gly499= (NM_001406837.1); c.1227C>T, p.Gly409= (NM_001406838.1); c.279C>T, p.Gly93= (NM_001406839.1); c.1386C>T, p.Gly462= (NM_181798.2).
Identifiers: ClinVar variation 629873 (VCV000629873.39), dbSNP rs368364062, ClinGen allele CA032726.

ClinVar aggregate classification (germline): Likely benign. Review status: criteria provided, multiple submitters, no conflicts (2 of 4 stars). 4 submissions from 4 submitters: Likely benign (4). Last evaluated 2025-10-23.

Conditions:
Cardiovascular phenotype. Identifiers: MedGen CN230736.
Long QT syndrome (LQTS). Identifiers: MedGen C0023976, MeSH D008133, MONDO:0002442. Disease mechanism: loss of function. Inheritance: Various modes of inheritance.
Cardiac arrhythmia. Also called: Arrhythmia; Cardiac rhythm disease. Identifiers: MedGen C0003811, MONDO:0007263, HP:0011675.

Allele frequency attached by ClinVar (database versions not stated): ExAC 0.00001; gnomAD exomes 0.00001; gnomAD 0.00003; TOPMed 0.00003; ESP Exome Variant Server 0.00008.
gnomAD v4.1: 20 of 1,613,624 alleles (0.0012%); highest among the groups gnomAD compares: African/African-American, 0.0027%; no homozygotes.

Submissions (4):

Labcorp Genetics (formerly Invitae), Labcorp
Classification: Likely benign for Long QT syndrome. Last evaluated: 2025-10-23. Review status: criteria provided, single submitter. Criteria: Invitae Variant Classification Sherloc (09022015). Collection method: clinical testing. Allele origin: germline.

CeGaT Center for Human Genetics Tuebingen
Classification: Likely benign. Last evaluated: 2024-10-01. Review status: criteria provided, single submitter. Criteria: CeGaT Center For Human Genetics Tuebingen Variant Classification Criteria Version 2. Collection method: clinical testing. Allele origin: germline. Affected: yes. Observed: 2 variant alleles.
Comment: KCNQ1: BP4, BP7

Ambry Genetics
Classification: Likely benign for Cardiovascular phenotype. Last evaluated: 2021-06-29. Review status: criteria provided, single submitter. Criteria: Ambry Variant Classification Scheme 2023. Collection method: clinical testing. Allele origin: germline.

Color Diagnostics, LLC DBA Color Health
Classification: Likely benign for Arrhythmia. Last evaluated: 2018-10-30. Review status: criteria provided, single submitter. Criteria: ACMG Guidelines, 2015. Collection method: clinical testing. Allele origin: germline.